The following is an entry in ClinVar:

ClinVar aggregate classification (germline): Uncertain significance (1 of 4 stars; one submission).

Submission:

Labcorp Genetics (formerly Invitae), Labcorp
Classification: Uncertain significance. Last evaluated: 2023-08-04. Review status: criteria provided, single submitter. Criteria: Invitae Variant Classification Sherloc (09022015). Collection method: clinical testing. Allele origin: germline.
Comment: This sequence change replaces glutamic acid, which is acidic and polar, with aspartic acid, which is acidic and polar, at codon 81 of the UNC119 protein (p.Glu81Asp). This variant is not present in population databases (gnomAD no frequency). This variant has not been reported in the literature in individuals affected with UNC119-related conditions. ClinVar contains an entry for this variant (Variation ID: 1055557). An algorithm developed to predict the effect of missense changes on protein structure and function (PolyPhen-2) suggests that this variant is likely to be tolerated. In summary, the available evidence is currently insufficient to determine the role of this variant in disease. Therefore, it has been classified as a Variant of Uncertain Significance.

NM_005148.4(UNC119):c.243G>T (p.Glu81Asp)

Gene: UNC119 (unc-119 lipid binding chaperone; minus strand). Cytogenetic location: 17q11.2.
Variant type: single nucleotide variant.
Coding change: c.243G>T on transcript NM_005148.4 (MANE Select); coding-DNA position 243, G replaced by T.
Protein change: p.Glu81Asp; replaces glutamic acid 81 with aspartic acid.
Molecular consequence: missense variant. On other transcripts: 5 prime UTR variant (1).
Genome position (GRCh38, 1-based): chr17:28,548,683, C>A on the plus strand (G>T on the coding strand, the complement: UNC119 is on the minus strand). VCF-style: chr17-28548683-C-A. GRCh37 (hg19) VCF-style: chr17-26875701-C-A.
Other names: c.-43G>T (NM_001330166.2); c.243G>T, p.Glu81Asp (NM_054035.2); short protein forms E81D.
Identifiers: ClinVar variation 1055557 (VCV001055557.5), dbSNP rs2151508011, ClinGen allele CA398333058.